The following is an entry in ClinVar:

NM_001903.5(CTNNA1):c.630T>C (p.Ala210=)

Gene: CTNNA1 (catenin alpha 1; plus strand). Cytogenetic location: 5q31.2.
Variant type: single nucleotide variant.
Coding change: c.630T>C on transcript NM_001903.5 (MANE Select); coding-DNA position 630, T replaced by C.
Protein change: p.Ala210=; no amino-acid change (alanine 210 retained).
Molecular consequence: synonymous variant.
Genome position (GRCh38, 1-based): chr5:138,824,571, T>C. VCF-style: chr5-138824571-T-C. GRCh37 (hg19) VCF-style: chr5-138160260-T-C.
Other names: c.630T>C, p.Ala210= (NM_001290307.3, NM_001323982.2, NM_001323983.1 and 3 more transcripts); c.321T>C, p.Ala107= (NM_001290309.3); c.261T>C, p.Ala87= (NM_001290310.3).
Identifiers: ClinVar variation 762203 (VCV000762203.16), dbSNP rs1363430716, ClinGen allele CA446594289.

ClinVar aggregate classification (germline): Benign/Likely benign. Review status: criteria provided, multiple submitters, no conflicts (2 of 4 stars). 3 submissions from 3 submitters: Benign (1); Likely benign (2). Last evaluated 2025-02-11.

Conditions:
Hereditary diffuse gastric adenocarcinoma (HDGC). Also called: DIFFUSE GASTRIC AND LOBULAR BREAST CANCER SYNDROME. Identifiers: Orphanet 26106, MedGen C1708349, MONDO:0007648, OMIM 137215.
Hereditary cancer-predisposing syndrome. Also called: Tumor predisposition; Hereditary Cancer Syndrome; Neoplastic Syndromes, Hereditary; Hereditary neoplastic syndrome. Identifiers: Orphanet 140162, MedGen C0027672, MeSH D009386, MONDO:0015356.

Allele frequency attached by ClinVar (database versions not stated): gnomAD exomes below 0.00001.
gnomAD v4.1: 1 of 1,614,210 alleles (0.000062%); highest among the groups gnomAD compares: Non-Finnish European, 0.000085%; no homozygotes.

Submissions (3):

Labcorp Genetics (formerly Invitae), Labcorp
Classification: Likely benign. Last evaluated: 2025-02-11. Review status: criteria provided, single submitter. Criteria: Invitae Variant Classification Sherloc (09022015). Collection method: clinical testing. Allele origin: germline.

Myriad Genetics, Inc.
Classification: Benign for Hereditary diffuse gastric adenocarcinoma. Last evaluated: 2024-10-10. Review status: criteria provided, single submitter. Criteria: Myriad Autosomal Dominant, Autosomal Recessive and X-Linked Classification Criteria (2023). Collection method: clinical testing. Allele origin: unknown.
Comment: This variant is considered benign. This variant is a silent/synonymous amino acid change and it is not expected to impact splicing.

Ambry Genetics
Classification: Likely benign for Hereditary cancer-predisposing syndrome. Last evaluated: 2019-06-11. Review status: criteria provided, single submitter. Criteria: Ambry Variant Classification Scheme 2023. Collection method: clinical testing. Allele origin: germline.